The following is an entry in ClinVar:

NM_003072.5(SMARCA4):c.4635+3G>A

Gene: SMARCA4 (SWI/SNF related BAF chromatin remodeling complex subunit ATPase 4; plus strand). Cytogenetic location: 19p13.2.
Variant type: single nucleotide variant.
Coding change: c.4635+3G>A on transcript NM_003072.5 (MANE Select); 3 bases into the intron after coding-DNA position 4635, G replaced by A.
Molecular consequence: intron variant.
Genome position (GRCh38, 1-based): chr19:11,058,892, G>A. VCF-style: chr19-11058892-G-A. GRCh37 (hg19) VCF-style: chr19-11169568-G-A.
Other names: c.4635+3G>A (NM_001128844.3); c.4731+3G>A (NM_001128849.3, NM_001387283.1); c.4536+3G>A (NM_001128847.4, NM_001374457.1); c.4545+3G>A (NM_001128845.2); c.4542+3G>A (NM_001128846.2); c.4533+3G>A (NM_001128848.2).
Identifiers: ClinVar variation 575104 (VCV000575104.7), dbSNP rs1568562563, ClinGen allele CA891844148.

ClinVar aggregate classification (germline): Uncertain significance. Review status: criteria provided, multiple submitters, no conflicts (2 of 4 stars). 2 submissions from 2 submitters: Uncertain significance (2). Last evaluated 2025-09-19.

Conditions:
Rhabdoid tumor predisposition syndrome 2 (RTPS2). Identifiers: Orphanet 231108, Orphanet 69077, MedGen C2750074, MONDO:0013224, OMIM 613325.
Hereditary cancer-predisposing syndrome. Also called: Neoplastic Syndromes, Hereditary; Hereditary Cancer Syndrome; Tumor predisposition; Hereditary neoplastic syndrome. Identifiers: Orphanet 140162, MedGen C0027672, MeSH D009386, MONDO:0015356.

Allele frequency attached by ClinVar (database versions not stated): gnomAD exomes below 0.00001.
gnomAD v4.1: 1 of 1,612,724 alleles (0.000062%); highest among the groups gnomAD compares: Non-Finnish European, 0.000085%; no homozygotes.

Submissions (2):

Ambry Genetics
Classification: Uncertain significance for Hereditary cancer-predisposing syndrome. Last evaluated: 2025-09-19. Review status: criteria provided, single submitter. Criteria: Ambry Variant Classification Scheme 2023. Collection method: clinical testing. Allele origin: germline.
Comment: The c.4731+3G>A intronic variant results from a G to A substitution 3 nucleotides after coding exon 32 in the SMARCA4 gene. This nucleotide position is not well conserved in available vertebrate species. In silico splice site analysis predicts that this alteration will not have any significant effect on splicing. Based on the available evidence, the clinical significance of this variant remains unclear.

Labcorp Genetics (formerly Invitae), Labcorp
Classification: Uncertain significance for Rhabdoid tumor predisposition syndrome 2. Last evaluated: 2018-02-23. Review status: criteria provided, single submitter. Criteria: Invitae Variant Classification Sherloc (09022015). Collection method: clinical testing. Allele origin: germline.
Comment: In summary, the available evidence is currently insufficient to determine the role of this variant in disease. Therefore, it has been classified as a Variant of Uncertain Significance. Nucleotide substitutions within the consensus splice site are a relatively common cause of aberrant splicing (PMID: 17576681, 9536098). Algorithms developed to predict the effect of sequence changes on RNA splicing suggest that this variant is not likely to affect RNA splicing, but this prediction has not been confirmed by published transcriptional studies. This variant has not been reported in the literature in individuals with SMARCA4-related disease. This variant is not present in population databases (ExAC no frequency). This sequence change falls in intron 33 of the SMARCA4 gene. It does not directly change the encoded amino acid sequence of the SMARCA4 protein, but it affects a nucleotide within the consensus splice site of the intron.

Literature cited by the submitters: PubMed 17576681 (cited by Labcorp Genetics (formerly Invitae), Labcorp); PubMed 9536098 (cited by Labcorp Genetics (formerly Invitae), Labcorp).